The following is an entry in ClinVar:

ClinVar aggregate classification (germline): Conflicting classifications of pathogenicity. Review status: criteria provided, conflicting classifications (1 of 4 stars). 5 submissions from 5 submitters: Uncertain significance (4); Likely benign (1). Last evaluated 2026-01-21.

Conditions:
Endometrial carcinoma. Also called: Endometrial carcinoma, somatic. Identifiers: MedGen C0476089, MONDO:0002447, OMIM 608089, HP:0012114.
Familial adenomatous polyposis 4 (FAP4). Also called: MSH3-related attenuated familial adenomatous polyposis. Identifiers: Orphanet 480536, MedGen C4310719, MONDO:0044300, OMIM 617100.
Hereditary cancer-predisposing syndrome. Also called: Neoplastic Syndromes, Hereditary; Tumor predisposition; Hereditary neoplastic syndrome; Hereditary Cancer Syndrome. Identifiers: Orphanet 140162, MedGen C0027672, MeSH D009386, MONDO:0015356.

Allele frequency attached by ClinVar (database versions not stated): gnomAD exomes 0.00002; ExAC 0.00003; gnomAD 0.00003 and 0.00005; TOPMed 0.00006; 1000 Genomes Project 30x 0.00016; 1000 Genomes Project 0.00020.
gnomAD v4.1: 24 of 1,613,736 alleles (0.0015%); highest among the groups gnomAD compares: South Asian, 0.0088%; no homozygotes.

Submissions (5):

Labcorp Genetics (formerly Invitae), Labcorp
Classification: Uncertain significance. Last evaluated: 2026-01-21. Review status: criteria provided, single submitter. Criteria: Invitae Variant Classification Sherloc (09022015). Collection method: clinical testing. Allele origin: germline.
Comment: This sequence change replaces threonine, which is neutral and polar, with methionine, which is neutral and non-polar, at codon 1099 of the MSH3 protein (p.Thr1099Met). This variant is present in population databases (rs545543643, gnomAD 0.007%). This variant has not been reported in the literature in individuals affected with MSH3-related conditions. ClinVar contains an entry for this variant (Variation ID: 643500). An algorithm developed to predict the effect of missense changes on protein structure and function outputs the following: PolyPhen-2: "Benign". The methionine amino acid residue is found in multiple mammalian species, which suggests that this missense change does not adversely affect protein function. In summary, the available evidence is currently insufficient to determine the role of this variant in disease. Therefore, it has been classified as a Variant of Uncertain Significance.

Quest Diagnostics Nichols Institute San Juan Capistrano
Classification: Uncertain significance. Last evaluated: 2025-06-05. Review status: criteria provided, single submitter. Criteria: Quest Diagnostics criteria. Collection method: clinical testing. Allele origin: unknown.
Comment: The MSH3 c.3296C>T (p.Thr1099Met) variant has not been reported in individuals with MSH3-related conditions in the published literature. The frequency of this variant in the general population (Genome Aggregation Database) is uninformative in the assessment of its pathogenicity. Analysis of this variant using bioinformatics tools for the prediction of the effect of amino acid changes on protein structure and function yielded predictions that this variant is benign. Based on the available information, we are unable to determine the clinical significance of this variant.

Ambry Genetics
Classification: Likely benign for Hereditary cancer-predisposing syndrome. Last evaluated: 2025-04-28. Review status: criteria provided, single submitter. Criteria: Ambry Variant Classification Scheme 2023. Collection method: clinical testing. Allele origin: germline.

GeneDx
Classification: Uncertain significance. Last evaluated: 2024-04-16. Review status: criteria provided, single submitter. Criteria: GeneDx Variant Classification Process June 2021. Collection method: clinical testing. Allele origin: germline. Affected: yes.
Comment: Not observed at significant frequency in large population cohorts (gnomAD); In silico analysis indicates that this missense variant does not alter protein structure/function; Has not been previously published as pathogenic or benign to our knowledge

Fulgent Genetics
Classification: Uncertain significance for Endometrial carcinoma; Familial adenomatous polyposis 4. Last evaluated: 2024-03-13. Review status: criteria provided, single submitter. Criteria: ACMG Guidelines, 2015. Collection method: clinical testing. Allele origin: germline.

NM_002439.5(MSH3):c.3296C>T (p.Thr1099Met)

Gene: MSH3 (mutS homolog 3; plus strand). Cytogenetic location: 5q14.1.
Variant type: single nucleotide variant.
Coding change: c.3296C>T on transcript NM_002439.5 (MANE Select); coding-DNA position 3296, C replaced by T.
Protein change: p.Thr1099Met; replaces threonine 1099 with methionine.
Molecular consequence: missense variant.
Genome position (GRCh38, 1-based): chr5:80,873,281, C>T. VCF-style: chr5-80873281-C-T. GRCh37 (hg19) VCF-style: chr5-80169100-C-T.
Other names: short protein forms T1099M.
Identifiers: ClinVar variation 643500 (VCV000643500.16), dbSNP rs545543643, ClinGen allele CA3328498.